The following is an entry in ClinVar:

NM_152564.5(VPS13B):c.8142A>T (p.Gln2714His)

Gene: VPS13B (vacuolar protein sorting 13 homolog B; plus strand). Cytogenetic location: 8q22.2.
Variant type: single nucleotide variant.
Coding change: c.8142A>T on transcript NM_152564.5 (MANE Select); coding-DNA position 8142, A replaced by T.
Protein change: p.Gln2714His; replaces glutamine 2714 with histidine.
Molecular consequence: missense variant.
Genome position (GRCh38, 1-based): chr8:99,817,584, A>T. VCF-style: chr8-99817584-A-T. GRCh37 (hg19) VCF-style: chr8-100829812-A-T.
Other names: c.8217A>T, p.Gln2739His (NM_017890.5); short protein forms Q2714H, Q2739H.
Identifiers: ClinVar variation 1929159 (VCV001929159.5), dbSNP rs2492005632, ClinGen allele CA371772454.

ClinVar aggregate classification (germline): Uncertain significance (1 of 4 stars; one submission).

Conditions:
Cohen syndrome (COH1). Also called: Cutis verticis gyrata, retinitis pigmentosa, and sensorineural deafness; PEPPER SYNDROME. Identifiers: Orphanet 193, MedGen C0265223, MONDO:0008999, OMIM 216550.

Submission:

Labcorp Genetics (formerly Invitae), Labcorp
Classification: Uncertain significance for Cohen syndrome. Last evaluated: 2022-06-20. Review status: criteria provided, single submitter. Criteria: Invitae Variant Classification Sherloc (09022015). Collection method: clinical testing. Allele origin: germline.
Comment: In summary, the available evidence is currently insufficient to determine the role of this variant in disease. Therefore, it has been classified as a Variant of Uncertain Significance. Algorithms developed to predict the effect of missense changes on protein structure and function are either unavailable or do not agree on the potential impact of this missense change (SIFT: "Not Available"; PolyPhen-2: "Benign"; Align-GVGD: "Not Available"). This variant has not been reported in the literature in individuals affected with VPS13B-related conditions. This variant is not present in population databases (gnomAD no frequency). This sequence change replaces glutamine, which is neutral and polar, with histidine, which is basic and polar, at codon 2739 of the VPS13B protein (p.Gln2739His).